The following is an entry in ClinVar:

NM_000217.3(KCNA1):c.19G>A (p.Glu7Lys)

Genes: KCNA1 (potassium voltage-gated channel subfamily A member 1; plus strand), LOC130007218 (ATAC-STARR-seq lymphoblastoid silent region 4155; plus strand). Cytogenetic location: 12p13.32.
Variant type: single nucleotide variant.
Coding change: c.19G>A on transcript NM_000217.3 (MANE Select); coding-DNA position 19, G replaced by A.
Protein change: p.Glu7Lys; replaces glutamic acid 7 with lysine.
Molecular consequence: missense variant.
Genome position (GRCh38, 1-based): chr12:4,911,397, G>A. VCF-style: chr12-4911397-G-A. GRCh37 (hg19) VCF-style: chr12-5020563-G-A.
Other names: p.Glu7Lys; short protein forms E7K.
Identifiers: ClinVar variation 883202 (VCV000883202.14), dbSNP rs529968149, ClinGen allele CA6399328.

ClinVar aggregate classification (germline): Uncertain significance. Review status: criteria provided, multiple submitters, no conflicts (2 of 4 stars). 5 submissions from 5 submitters: Uncertain significance (5). Last evaluated 2025-07-21.

Conditions:
Episodic ataxia type 1 (EA1). Also called: Episodic ataxia/myokymia syndrome; ATAXIA, EPISODIC, WITH MYOKYMIA; MYOKYMIA WITH PERIODIC ATAXIA; PAROXYSMAL ATAXIA WITH NEUROMYOTONIA, HEREDITARY. Identifiers: Orphanet 37612, Orphanet 972, MedGen C1719788, MONDO:0008047, OMIM 160120.

Allele frequency attached by ClinVar (database versions not stated): gnomAD exomes below 0.00001 and 0.00002; TOPMed below 0.00001; ExAC 0.00001; gnomAD 0.00001; 1000 Genomes Project 30x 0.00016; 1000 Genomes Project 0.00020.

Submissions (5):

Labcorp Genetics (formerly Invitae), Labcorp
Classification: Uncertain significance for Episodic ataxia type 1. Last evaluated: 2025-07-21. Review status: criteria provided, single submitter. Criteria: Invitae Variant Classification Sherloc (09022015). Collection method: clinical testing. Allele origin: germline.
Comment: This sequence change replaces glutamic acid, which is acidic and polar, with lysine, which is basic and polar, at codon 7 of the KCNA1 protein (p.Glu7Lys). This variant is present in population databases (rs529968149, gnomAD 0.007%). This variant has not been reported in the literature in individuals affected with KCNA1-related conditions. ClinVar contains an entry for this variant (Variation ID: 883202). Invitae Evidence Modeling of protein sequence and biophysical properties (such as structural, functional, and spatial information, amino acid conservation, physicochemical variation, residue mobility, and thermodynamic stability) indicates that this missense variant is not expected to disrupt KCNA1 protein function with a negative predictive value of 80%. In summary, the available evidence is currently insufficient to determine the role of this variant in disease. Therefore, it has been classified as a Variant of Uncertain Significance.

Mayo Clinic Laboratories, Mayo Clinic
Classification: Uncertain significance. Last evaluated: 2025-02-22. Review status: criteria provided, single submitter. Criteria: ACMG Guidelines, 2015. Collection method: clinical testing. Allele origin: germline. Observed: 1 variant allele.

Women's Health and Genetics/Laboratory Corporation of America, LabCorp
Classification: Uncertain significance. Last evaluated: 2024-10-29. Review status: criteria provided, single submitter. Criteria: LabCorp Variant Classification Summary - May 2015. Collection method: clinical testing. Allele origin: germline.
Comment: Variant summary: KCNA1 c.19G>A (p.Glu7Lys) results in a conservative amino acid change in the encoded protein sequence. Three of five in-silico tools predict a benign effect of the variant on protein function. The variant allele was found at a frequency of 4.1e-06 in 244482 control chromosomes. The available data on variant occurrences in the general population are insufficient to allow any conclusion about variant significance. To our knowledge, no occurrence of c.19G>A in individuals affected with Episodic Ataxia Type 1 and no experimental evidence demonstrating its impact on protein function have been reported. ClinVar contains an entry for this variant (Variation ID: 883202). Based on the evidence outlined above, the variant was classified as uncertain significance.

Fulgent Genetics
Classification: Uncertain significance for Episodic ataxia type 1. Last evaluated: 2023-12-29. Review status: criteria provided, single submitter. Criteria: ACMG Guidelines, 2015. Collection method: clinical testing. Allele origin: germline.

Illumina Laboratory Services, Illumina
Classification: Uncertain significance for Episodic ataxia type 1. Last evaluated: 2018-01-13. Review status: criteria provided, single submitter. Criteria: ICSL Variant Classification Criteria 13 December 2019. Collection method: clinical testing. Allele origin: germline.